The following is an entry in ClinVar:

NM_001042492.3(NF1):c.4300A>T (p.Arg1434Ter)

Gene: NF1 (neurofibromin 1; plus strand). Cytogenetic location: 17q11.2.
Variant type: single nucleotide variant.
Coding change: c.4300A>T on transcript NM_001042492.3 (MANE Select); coding-DNA position 4300, A replaced by T.
Protein change: p.Arg1434Ter; replaces arginine 1434 with a stop codon.
Molecular consequence: nonsense.
Genome position (GRCh38, 1-based): chr17:31,258,470, A>T. VCF-style: chr17-31258470-A-T. GRCh37 (hg19) VCF-style: chr17-29585488-A-T.
Other names: c.4237A>T, p.Arg1413Ter (NM_000267.4); short protein forms R1413*, R1434*.
Identifiers: ClinVar variation 1070436 (VCV001070436.7), dbSNP rs2067623934, ClinGen allele CA398998064.

ClinVar aggregate classification (germline): Pathogenic. Review status: criteria provided, multiple submitters, no conflicts (2 of 4 stars). 2 submissions from 2 submitters: Pathogenic (2). Last evaluated 2021-08-19.

Conditions:
Hereditary cancer-predisposing syndrome. Also called: Tumor predisposition; Neoplastic Syndromes, Hereditary; Hereditary neoplastic syndrome; Hereditary Cancer Syndrome. Identifiers: Orphanet 140162, MedGen C0027672, MeSH D009386, MONDO:0015356.
Cardiovascular phenotype. Identifiers: MedGen CN230736.
Neurofibromatosis, type 1 (NF1). Also called: VON RECKLINGHAUSEN DISEASE; Peripheral type neurofibromatosis; NEUROFIBROMATOSIS, TYPE I, SOMATIC; Neurofibromatosis, type I. Identifiers: Orphanet 636, MedGen C0027831, MONDO:0018975, OMIM 162200. Disease mechanism: loss of function.

Submissions (2):

Ambry Genetics
Classification: Pathogenic for Cardiovascular phenotype; Hereditary cancer-predisposing syndrome. Last evaluated: 2021-08-19. Review status: criteria provided, single submitter. Criteria: Ambry Variant Classification Scheme 2023. Collection method: clinical testing. Allele origin: germline.
Comment: The p.R1413* pathogenic mutation (also known as c.4237A>T), located in coding exon 31 of the NF1 gene, results from an A to T substitution at nucleotide position 4237. This changes the amino acid from an arginine to a stop codon within coding exon 31. This alteration has been observed in at least one individual with a personal and/or family history that is consistent with Neurofibromatosis type 1-related disease (Ambry internal data). This alteration was identified in 1 of 138 patients clinically diagnosed with Neurofibromatosis type 1 (Assunto A et al. Orphanet J Rare Dis, 2019 11;14:261). This variant is considered to be rare based on population cohorts in the Genome Aggregation Database (gnomAD). In addition to the clinical data presented in the literature, this alteration is expected to result in loss of function by premature protein truncation or nonsense-mediated mRNA decay. As such, this alteration is interpreted as a disease-causing mutation.

Labcorp Genetics (formerly Invitae), Labcorp
Classification: Pathogenic for Neurofibromatosis, type 1. Last evaluated: 2020-05-29. Review status: criteria provided, single submitter. Criteria: Invitae Variant Classification Sherloc (09022015). Collection method: clinical testing. Allele origin: germline.
Comment: For these reasons, this variant has been classified as Pathogenic. Loss-of-function variants in NF1 are known to be pathogenic (PMID: 10712197, 23913538). This variant has been observed in individual(s) with neurofibromatosis, type 1 (PMID: 31730495). This variant is not present in population databases (ExAC no frequency). This sequence change creates a premature translational stop signal (p.Arg1413*) in the NF1 gene. It is expected to result in an absent or disrupted protein product.

Literature cited by the submitters: PubMed 10712197 (cited by Labcorp Genetics (formerly Invitae), Labcorp); PubMed 23913538 (cited by Labcorp Genetics (formerly Invitae), Labcorp); PubMed 31730495 (cited by Labcorp Genetics (formerly Invitae), Labcorp).